The following is an entry in ClinVar:

NM_002185.5(IL7R):c.496G>A (p.Asp166Asn)

Gene: IL7R (interleukin 7 receptor; plus strand). Cytogenetic location: 5p13.2.
Variant type: single nucleotide variant.
Coding change: c.496G>A on transcript NM_002185.5 (MANE Select); coding-DNA position 496, G replaced by A.
Protein change: p.Asp166Asn; replaces aspartic acid 166 with asparagine.
Molecular consequence: missense variant. On other transcripts: non-coding transcript variant (1).
Genome position (GRCh38, 1-based): chr5:35,871,172, G>A. VCF-style: chr5-35871172-G-A. GRCh37 (hg19) VCF-style: chr5-35871274-G-A.
Other names: short protein forms D166N.
Identifiers: ClinVar variation 1492479 (VCV001492479.5), dbSNP rs776941426, ClinGen allele CA3231986.

ClinVar aggregate classification (germline): Uncertain significance (1 of 4 stars; one submission).

Conditions:
Immunodeficiency 104. Also called: SCID, AUTOSOMAL RECESSIVE, T CELL-NEGATIVE, B CELL-POSITIVE, NK CELL-POSITIVE; Severe Combined Immune Deficiency, Autosomal Recessive, TCell -Negative, B Cell-Positive, NK Cell-Positive, IL7R-Related; IMMUNODEFICIENCY 104, SEVERE COMBINED; Severe combined immunodeficiency, autosomal recessive, T cell-negative, B cell-positive, NK cell-positive. Identifiers: MedGen C5676890, MONDO:0012163, OMIM 608971.

Allele frequency attached by ClinVar (database versions not stated): ExAC 0.00002; gnomAD 0.00002; gnomAD exomes 0.00002; TOPMed 0.00002.

Submission:

Labcorp Genetics (formerly Invitae), Labcorp
Classification: Uncertain significance for Immunodeficiency 104. Last evaluated: 2024-07-29. Review status: criteria provided, single submitter. Criteria: Invitae Variant Classification Sherloc (09022015). Collection method: clinical testing. Allele origin: germline.
Comment: This sequence change replaces aspartic acid, which is acidic and polar, with asparagine, which is neutral and polar, at codon 166 of the IL7R protein (p.Asp166Asn). This variant is present in population databases (rs776941426, gnomAD 0.007%). This variant has not been reported in the literature in individuals affected with IL7R-related conditions. ClinVar contains an entry for this variant (Variation ID: 1492479). Advanced modeling of protein sequence and biophysical properties (such as structural, functional, and spatial information, amino acid conservation, physicochemical variation, residue mobility, and thermodynamic stability) performed at Invitae indicates that this missense variant is not expected to disrupt IL7R protein function with a negative predictive value of 80%. In summary, the available evidence is currently insufficient to determine the role of this variant in disease. Therefore, it has been classified as a Variant of Uncertain Significance.